The following is an entry in ClinVar:

ClinVar aggregate classification (germline): Conflicting classifications of pathogenicity. Review status: criteria provided, conflicting classifications (1 of 4 stars). 5 submissions from 5 submitters: Uncertain significance (4); Likely benign (1). Last evaluated 2026-01-02.

Conditions:
Hereditary breast ovarian cancer syndrome. Also called: Hereditary breast and ovarian cancer; Breast and ovarian cancer; BRCA1- and BRCA2-Associated Hereditary Breast and Ovarian Cancer; Hereditary breast and ovarian cancer syndrome (HBOC); Hereditary breast and/or ovarian cancer syndrome; Hereditary breast and ovarian cancer syndrome. Identifiers: Orphanet 145, MedGen C0677776, MeSH D061325, MONDO:0003582. Disease mechanism: loss of function.
Hereditary cancer-predisposing syndrome. Also called: Tumor predisposition; Hereditary neoplastic syndrome; Hereditary Cancer Syndrome; Neoplastic Syndromes, Hereditary. Identifiers: Orphanet 140162, MedGen C0027672, MeSH D009386, MONDO:0015356.

Submissions (5):

Ambry Genetics
Classification: Likely benign for Hereditary cancer-predisposing syndrome. Last evaluated: 2026-01-02. Review status: criteria provided, single submitter. Criteria: Ambry Variant Classification Scheme 2023. Collection method: clinical testing. Allele origin: germline.

Labcorp Genetics (formerly Invitae), Labcorp
Classification: Uncertain significance for Hereditary breast ovarian cancer syndrome. Last evaluated: 2025-11-05. Review status: criteria provided, single submitter. Criteria: Invitae Variant Classification Sherloc (09022015). Collection method: clinical testing. Allele origin: germline.
Comment: This sequence change replaces glycine, which is neutral and non-polar, with tryptophan, which is neutral and slightly polar, at codon 3201 of the BRCA2 protein (p.Gly3201Trp). This variant is not present in population databases (gnomAD no frequency). This variant has not been reported in the literature in individuals affected with BRCA2-related conditions. ClinVar contains an entry for this variant (Variation ID: 993182). Invitae Evidence Modeling of protein sequence and biophysical properties (such as structural, functional, and spatial information, amino acid conservation, physicochemical variation, residue mobility, and thermodynamic stability) indicates that this missense variant is not expected to disrupt BRCA2 protein function with a negative predictive value of 95%. In summary, the available evidence is currently insufficient to determine the role of this variant in disease. Therefore, it has been classified as a Variant of Uncertain Significance.

Women's Health and Genetics/Laboratory Corporation of America, LabCorp
Classification: Uncertain significance. Last evaluated: 2025-10-21. Review status: criteria provided, single submitter. Criteria: LabCorp Variant Classification Summary - May 2015. Collection method: clinical testing. Allele origin: germline.
Comment: Variant summary: BRCA2 c.9601G>T (p.Gly3201Trp) results in a non-conservative amino acid change in the encoded protein sequence. Algorithms developed to predict the effect of missense changes on protein structure and function are either unavailable or do not agree on the potential impact of this missense change. The variant was absent in 251406 control chromosomes. The available data on variant occurrences in the general population are insufficient to allow any conclusion about variant significance. c.9601G>T has been observed in an individual affected with Hereditary Breast And Ovarian Cancer Syndrome but without clear evidence for causality (Cecener_2014). These report(s) do not provide unequivocal conclusions about association of the variant with Hereditary Breast And Ovarian Cancer Syndrome. To our knowledge, no experimental evidence demonstrating an impact on protein function has been reported. The following publication have been ascertained in the context of this evaluation (PMID: 24884828). ClinVar contains an entry for this variant (Variation ID: 993182). Based on the evidence outlined above, the variant was classified as uncertain significance.

Quest Diagnostics Nichols Institute San Juan Capistrano
Classification: Uncertain significance. Last evaluated: 2025-01-16. Review status: criteria provided, single submitter. Criteria: Quest Diagnostics criteria. Collection method: clinical testing. Allele origin: unknown.
Comment: The BRCA2 c.9601G>T (p.Gly3201Trp) variant has not been reported in individuals with BRCA2-related conditions in the published literature. It also has not been reported in large, multi-ethnic general populations (Genome Aggregation Database). Analysis of this variant using bioinformatics tools for the prediction of the effect of amino acid changes on protein structure and function yielded predictions that this variant is benign. Based on the available information, we are unable to determine the clinical significance of this variant.

GeneDx
Classification: Uncertain significance. Last evaluated: 2019-08-28. Review status: criteria provided, single submitter. Criteria: GeneDx Variant Classification Process June 2021. Collection method: clinical testing. Allele origin: germline. Affected: yes.
Comment: Not observed in large population cohorts (Lek 2016); In silico analysis, which includes protein predictors and evolutionary conservation, supports that this variant does not alter protein structure/function; Also known as 9829G>T; Observed in individuals with breast cancer (Cecener 2014); This variant is associated with the following publications: (PMID: 24884828)

Literature cited by the submitters: PubMed 24884828 (cited by Women's Health and Genetics/Laboratory Corporation of America, LabCorp).

NM_000059.4(BRCA2):c.9601G>T (p.Gly3201Trp)

Gene: BRCA2 (BRCA2 DNA repair associated; plus strand). Cytogenetic location: 13q13.1.
Variant type: single nucleotide variant.
Coding change: c.9601G>T on transcript NM_000059.4 (MANE Select); coding-DNA position 9601, G replaced by T.
Protein change: p.Gly3201Trp; replaces glycine 3201 with tryptophan.
Molecular consequence: missense variant.
Genome position (GRCh38, 1-based): chr13:32,396,997, G>T. VCF-style: chr13-32396997-G-T. GRCh37 (hg19) VCF-style: chr13-32971134-G-T.
Other names: short protein forms G3201W.
Identifiers: ClinVar variation 993182 (VCV000993182.14), dbSNP rs2073041511, ClinGen allele CA387763571.